The following is an entry in ClinVar:

NM_182914.3(SYNE2):c.10431+6T>A

Gene: SYNE2 (spectrin repeat containing nuclear envelope protein 2; plus strand). Cytogenetic location: 14q23.2.
Variant type: single nucleotide variant.
Coding change: c.10431+6T>A on transcript NM_182914.3 (MANE Select); 6 bases into the intron after coding-DNA position 10431, T replaced by A.
Molecular consequence: intron variant.
Genome position (GRCh38, 1-based): chr14:64,065,656, T>A. VCF-style: chr14-64065656-T-A. GRCh37 (hg19) VCF-style: chr14-64532374-T-A.
Other names: c.10431+6T>A (NM_015180.6).
Identifiers: ClinVar variation 839279 (VCV000839279.9), dbSNP rs2097353192, ClinGen allele CA916083377.

ClinVar aggregate classification (germline): Uncertain significance (1 of 4 stars; one submission).

Conditions:
Emery-Dreifuss muscular dystrophy 5, autosomal dominant (EDMD5). Also called: EMERY-DREIFUSS MUSCULAR DYSTROPHY 5. Identifiers: Orphanet 261, MedGen C2751805, MONDO:0013072, OMIM 612999.

Submission:

Labcorp Genetics (formerly Invitae), Labcorp
Classification: Uncertain significance for Emery-Dreifuss muscular dystrophy 5, autosomal dominant. Last evaluated: 2022-06-20. Review status: criteria provided, single submitter. Criteria: Invitae Variant Classification Sherloc (09022015). Collection method: clinical testing. Allele origin: germline.
Comment: In summary, the available evidence is currently insufficient to determine the role of this variant in disease. Therefore, it has been classified as a Variant of Uncertain Significance. Variants that disrupt the consensus splice site are a relatively common cause of aberrant splicing (PMID: 17576681, 9536098). Algorithms developed to predict the effect of sequence changes on RNA splicing suggest that this variant may disrupt the consensus splice site. ClinVar contains an entry for this variant (Variation ID: 839279). This variant has not been reported in the literature in individuals affected with SYNE2-related conditions. This variant is not present in population databases (gnomAD no frequency). This sequence change falls in intron 51 of the SYNE2 gene. It does not directly change the encoded amino acid sequence of the SYNE2 protein. It affects a nucleotide within the consensus splice site.

Literature cited by the submitters: PubMed 17576681; PubMed 9536098.